The following is an entry in ClinVar:

ClinVar aggregate classification (germline): Uncertain significance (1 of 4 stars; one submission).

Allele frequency attached by ClinVar (database versions not stated): gnomAD exomes 0.00002; gnomAD 0.00004; ExAC 0.00005; 1000 Genomes Project 30x 0.00078; 1000 Genomes Project 0.00100.
gnomAD v4.1: 33 of 1,603,750 alleles (0.0021%); highest among the groups gnomAD compares: South Asian, 0.036%; no homozygotes.

Submission:

Labcorp Genetics (formerly Invitae), Labcorp
Classification: Uncertain significance. Last evaluated: 2021-09-22. Review status: criteria provided, single submitter. Criteria: Invitae Variant Classification Sherloc (09022015). Collection method: clinical testing. Allele origin: germline.
Comment: In summary, the available evidence is currently insufficient to determine the role of this variant in disease. Therefore, it has been classified as a Variant of Uncertain Significance. Algorithms developed to predict the effect of missense changes on protein structure and function output the following: SIFT: "Tolerated"; PolyPhen-2: "Benign"; Align-GVGD: "Class C0". The leucine amino acid residue is found in multiple mammalian species, which suggests that this missense change does not adversely affect protein function. This variant has not been reported in the literature in individuals affected with DNAJB11-related conditions. This variant is present in population databases (rs538824536, ExAC 0.03%). This sequence change replaces phenylalanine with leucine at codon 9 of the DNAJB11 protein (p.Phe9Leu). The phenylalanine residue is weakly conserved and there is a small physicochemical difference between phenylalanine and leucine.

NM_016306.6(DNAJB11):c.27T>A (p.Phe9Leu)

Genes: DNAJB11 (DnaJ heat shock protein family (Hsp40) member B11; plus strand), LOC129938103 (ATAC-STARR-seq lymphoblastoid silent region 14987; plus strand). Cytogenetic location: 3q27.3.
Variant type: single nucleotide variant.
Coding change: c.27T>A on transcript NM_016306.6 (MANE Select); coding-DNA position 27, T replaced by A.
Protein change: p.Phe9Leu; replaces phenylalanine 9 with leucine.
Molecular consequence: missense variant. On other transcripts: non-coding transcript variant (6).
Genome position (GRCh38, 1-based): chr3:186,570,924, T>A. VCF-style: chr3-186570924-T-A. GRCh37 (hg19) VCF-style: chr3-186288713-T-A.
Other names: c.27T>A, p.Phe9Leu (NM_001378451.1); short protein forms F9L.
Identifiers: ClinVar variation 1477431 (VCV001477431.8), dbSNP rs538824536, ClinGen allele CA2744390.